The following is an entry in ClinVar:

ClinVar aggregate classification (germline): Uncertain significance (1 of 4 stars; one submission).

Conditions:
Neurodevelopmental disorder with or without variable brain abnormalities; NEDBA. Also called: NEURODEVELOPMENTAL DISORDER WITH OR WITHOUT VARIABLE BRAIN ABNORMALITIES. Identifiers: MedGen C5193102, MONDO:0032755, OMIM 618443.

gnomAD v4.1: 1 of 1,611,350 alleles (0.000062%); highest among the groups gnomAD compares: Non-Finnish European, 0.000085%; no homozygotes.

Submission:

Centre for Mendelian Genomics, University Medical Centre Ljubljana
Classification: Uncertain significance for Neurodevelopmental disorder with or without variable brain abnormalities; NEDBA. Last evaluated: 2020-02-18. Review status: criteria provided, single submitter. Criteria: ACMG Guidelines, 2015. Collection method: clinical testing. Allele origin: unknown. Affected: yes.
Comment: This variant was classified as: Uncertain significance. The available evidence on this variant's pathogenicity is insufficient or conflicting. The following ACMG criteria were applied in classifying this variant: BP4.

NM_001318852.2(MAPK8IP3):c.3461C>G (p.Ala1154Gly)

Gene: MAPK8IP3 (mitogen-activated protein kinase 8 interacting protein 3; plus strand). Cytogenetic location: 16p13.3.
Variant type: single nucleotide variant.
Coding change: c.3461C>G on transcript NM_001318852.2 (MANE Select); coding-DNA position 3461, C replaced by G.
Protein change: p.Ala1154Gly; replaces alanine 1154 with glycine.
Molecular consequence: missense variant.
Genome position (GRCh38, 1-based): chr16:1,767,856, C>G. VCF-style: chr16-1767856-C-G. GRCh37 (hg19) VCF-style: chr16-1817857-C-G.
Other names: c.3440C>G, p.Ala1147Gly (NM_001040439.2); c.3458C>G, p.Ala1153Gly (NM_015133.5); short protein forms A1147G, A1153G, A1154G.
Identifiers: ClinVar variation 930955 (VCV000930955.3), dbSNP rs372037148, ClinGen allele CA7817690.
Genomic context (GRCh38, chr16:1,767,856, plus strand): 5'-CCCCCACAGGCACTGGCAAGCTGGGTTTCTCCTTCGTACGCATCACGGCCCTGCTTGTCG[C>G]GGGCAGCCGGCTCTGGGTGGGCACCGGCAACGGAGTGGTCATCTCCATCCCCCTGACAGA-3'
Protein context (NP_001305781.1, residues 1144-1164): SFVRITALLV[Ala1154Gly]GSRLWVGTGN